The following is an entry in ClinVar:

ClinVar aggregate classification (germline): Uncertain significance (1 of 4 stars; one submission).

Allele frequency attached by ClinVar (database versions not stated): gnomAD exomes 0.00001.
gnomAD v4.1: 9 of 1,614,120 alleles (0.00056%); highest among the groups gnomAD compares: African/African-American, 0.004%; no homozygotes.

Submission:

Labcorp Genetics (formerly Invitae), Labcorp
Classification: Uncertain significance. Last evaluated: 2023-12-27. Review status: criteria provided, single submitter. Criteria: Invitae Variant Classification Sherloc (09022015). Collection method: clinical testing. Allele origin: germline.
Comment: This sequence change replaces proline, which is neutral and non-polar, with serine, which is neutral and polar, at codon 635 of the RFWD3 protein (p.Pro635Ser). This variant is not present in population databases (gnomAD no frequency). This variant has not been reported in the literature in individuals affected with RFWD3-related conditions. ClinVar contains an entry for this variant (Variation ID: 2042273). Algorithms developed to predict the effect of missense changes on protein structure and function output the following: SIFT: "Not Available"; PolyPhen-2: "Benign"; Align-GVGD: "Not Available". The serine amino acid residue is found in multiple mammalian species, which suggests that this missense change does not adversely affect protein function. In summary, the available evidence is currently insufficient to determine the role of this variant in disease. Therefore, it has been classified as a Variant of Uncertain Significance.

NM_018124.4(RFWD3):c.1903C>T (p.Pro635Ser)

Gene: RFWD3 (ring finger and WD repeat domain 3; minus strand). Cytogenetic location: 16q23.1.
Variant type: single nucleotide variant.
Coding change: c.1903C>T on transcript NM_018124.4 (MANE Select); coding-DNA position 1903, C replaced by T.
Protein change: p.Pro635Ser; replaces proline 635 with serine.
Molecular consequence: missense variant.
Genome position (GRCh38, 1-based): chr16:74,628,518, G>A on the plus strand (C>T on the coding strand, the complement: RFWD3 is on the minus strand). VCF-style: chr16-74628518-G-A. GRCh37 (hg19) VCF-style: chr16-74662416-G-A.
Other names: c.1903C>T, p.Pro635Ser (NM_001370534.1, NM_001370535.1); c.1726C>T, p.Pro576Ser (NM_001370536.1); c.1069C>T, p.Pro357Ser (NM_001370537.1, NM_001370539.1, NM_001370540.1 and 3 more transcripts); short protein forms P635S, P576S, P357S.
Identifiers: ClinVar variation 2042273 (VCV002042273.4), dbSNP rs1597408998, ClinGen allele CA396759776.